The following is an entry in ClinVar:

ClinVar aggregate classification (germline): Likely pathogenic. Review status: criteria provided, multiple submitters, no conflicts (2 of 4 stars). 2 submissions from 2 submitters: Likely pathogenic (2). Last evaluated 2025-05-28.

Conditions:
Cockayne syndrome type 1. Also called: Cockayne syndrome type I; Cockayne syndrome classical; Cockayne syndrome classic form. Identifiers: Orphanet 191, Orphanet 90321, MedGen C0751039, MONDO:0019569, OMIM 216400.

Allele frequency attached by ClinVar (database versions not stated): gnomAD exomes below 0.00001 and 0.00002.
gnomAD v4.1: 32 of 1,609,772 alleles (0.002%); highest among the groups gnomAD compares: Non-Finnish European, 0.0025%; no homozygotes.

Submissions (2):

Myriad Genetics, Inc.
Classification: Likely pathogenic for Cockayne syndrome type 1. Last evaluated: 2025-05-28. Review status: criteria provided, single submitter. Criteria: Myriad Autosomal Dominant, Autosomal Recessive and X-Linked Classification Criteria (2023). Collection method: clinical testing. Allele origin: unknown.
Comment: NM_000082.3(ERCC8):c.276-1G>A is a variant in a canonical splice site classified as likely pathogenic in the context of ERCC8-related disorders. c.276-1G>A has not been observed in cases with relevant disease. Relevant functional assessments of this variant are not available in the literature. c.276-1G>A has been observed in referenced population frequency databases. In summary, NM_000082.3(ERCC8):c.276-1G>A is a variant in a canonical splice site in a gene where loss of function is a known mechanism of disease and is predicted to disrupt protein function. Please note: this variant was assessed in the context of healthy population screening.

Labcorp Genetics (formerly Invitae), Labcorp
Classification: Likely pathogenic. Last evaluated: 2022-03-09. Review status: criteria provided, single submitter. Criteria: Invitae Variant Classification Sherloc (09022015). Collection method: clinical testing. Allele origin: germline.
Comment: This variant is present in population databases (no rsID available, gnomAD 0.0009%). In summary, the currently available evidence indicates that the variant is pathogenic, but additional data are needed to prove that conclusively. Therefore, this variant has been classified as Likely Pathogenic. Algorithms developed to predict the effect of sequence changes on RNA splicing suggest that this variant may disrupt the consensus splice site. ClinVar contains an entry for this variant (Variation ID: 1068358). This variant has not been reported in the literature in individuals affected with ERCC8-related conditions. This sequence change affects an acceptor splice site in intron 3 of the ERCC8 gene. It is expected to disrupt RNA splicing. Variants that disrupt the donor or acceptor splice site typically lead to a loss of protein function (PMID: 16199547), and loss-of-function variants in ERCC8 are known to be pathogenic (PMID: 29572252).

Literature cited by the submitters: PubMed 16199547 (cited by Labcorp Genetics (formerly Invitae), Labcorp); PubMed 29572252 (cited by Labcorp Genetics (formerly Invitae), Labcorp).

NM_000082.4(ERCC8):c.276-1G>A

Genes: ERCC8 (ERCC excision repair 8, CSA ubiquitin ligase complex subunit; minus strand), ERCC8-AS1 (ERCC8 antisense RNA 1; plus strand). Cytogenetic location: 5q12.1.
Variant type: single nucleotide variant.
Coding change: c.276-1G>A on transcript NM_000082.4 (MANE Select); the canonical splice acceptor site of the intron before coding-DNA position 276, G replaced by A.
Molecular consequence: splice acceptor variant. On other transcripts: non-coding transcript variant (1).
Genome position (GRCh38, 1-based): chr5:60,918,389, C>T on the plus strand (G>A on the coding strand, the complement: ERCC8 is on the minus strand). VCF-style: chr5-60918389-C-T. GRCh37 (hg19) VCF-style: chr5-60214216-C-T.
Other names: c.-102-1G>A (NM_001290285.2); c.102-1G>A (NM_001007233.3); c.276-1G>A (NM_001007234.3).
Identifiers: ClinVar variation 1068358 (VCV001068358.8), dbSNP rs1188760861, ClinGen allele CA359828095.